The following is an entry in ClinVar:

NM_020812.4(DOCK6):c.2084C>T (p.Pro695Leu)

Gene: DOCK6 (dedicator of cytokinesis 6; minus strand). Cytogenetic location: 19p13.2.
Variant type: single nucleotide variant.
Coding change: c.2084C>T on transcript NM_020812.4 (MANE Select); coding-DNA position 2084, C replaced by T.
Protein change: p.Pro695Leu; replaces proline 695 with leucine.
Molecular consequence: missense variant.
Genome position (GRCh38, 1-based): chr19:11,236,869, G>A on the plus strand (C>T on the coding strand, the complement: DOCK6 is on the minus strand). VCF-style: chr19-11236869-G-A. GRCh37 (hg19) VCF-style: chr19-11347545-G-A.
Other names: c.2084C>T (NM_020812.2); c.2084C>T, p.Pro695Leu (NM_001367830.1); short protein forms P695L.
Identifiers: ClinVar variation 1402766 (VCV001402766.11), dbSNP rs1048393811, ClinGen allele CA305334660.
Genomic context (GRCh38, chr19:11,236,869, plus strand): 5'-GACACGGCTGTGAGCTCCACACTGAACACGCCCTTGTGACCGTCCACCCAGCGCATGCCC[G>A]GAAGCGCCACCTGTGGGAGGGAGGCACCAGGTGGGCACTGGTCAGCCCTCCCTGACTGAT-3'
Protein context (NP_065863.2, residues 685-705): YSVLTPDVAL[Pro695Leu]GMRWVDGHKG

ClinVar aggregate classification (germline): Uncertain significance. Review status: criteria provided, multiple submitters, no conflicts (2 of 4 stars). 3 submissions from 3 submitters: Uncertain significance (3). Last evaluated 2025-09-04.

Conditions:
Inborn genetic diseases. Identifiers: MedGen C0950123, MeSH D030342.

Allele frequency attached by ClinVar (database versions not stated): gnomAD 0.00001; gnomAD exomes 0.00001 and 0.00003; TOPMed 0.00002.
gnomAD v4.1: 17 of 1,553,240 alleles (0.0011%); highest among the groups gnomAD compares: Admixed American, 0.0039%; no homozygotes.

Submissions (3):

Women's Health and Genetics/Laboratory Corporation of America, LabCorp
Classification: Uncertain significance. Last evaluated: 2025-09-04. Review status: criteria provided, single submitter. Criteria: LabCorp Variant Classification Summary - May 2015. Collection method: clinical testing. Allele origin: germline.
Comment: Variant summary: DOCK6 c.2084C>T (p.Pro695Leu) results in a non-conservative amino acid change in the encoded protein sequence. Algorithms developed to predict the effect of missense changes on protein structure and function are either unavailable or do not agree on the potential impact of this missense change. The variant allele was found at a frequency of 3.2e-05 in 157068 control chromosomes. The available data on variant occurrences in the general population are insufficient to allow any conclusion about variant significance. To our knowledge, no occurrence of c.2084C>T in individuals affected with DOCK6-related conditions and no experimental evidence demonstrating its impact on protein function have been reported. ClinVar contains an entry for this variant (Variation ID: 1402766). Based on the evidence outlined above, the variant was classified as uncertain significance.

Labcorp Genetics (formerly Invitae), Labcorp
Classification: Uncertain significance. Last evaluated: 2024-09-09. Review status: criteria provided, single submitter. Criteria: Invitae Variant Classification Sherloc (09022015). Collection method: clinical testing. Allele origin: germline.
Comment: This sequence change replaces proline, which is neutral and non-polar, with leucine, which is neutral and non-polar, at codon 695 of the DOCK6 protein (p.Pro695Leu). The frequency data for this variant in the population databases is considered unreliable, as metrics indicate poor data quality at this position in the gnomAD database. This variant has not been reported in the literature in individuals affected with DOCK6-related conditions. ClinVar contains an entry for this variant (Variation ID: 1402766). Invitae Evidence Modeling of protein sequence and biophysical properties (such as structural, functional, and spatial information, amino acid conservation, physicochemical variation, residue mobility, and thermodynamic stability) indicates that this missense variant is expected to disrupt DOCK6 protein function with a positive predictive value of 80%. In summary, the available evidence is currently insufficient to determine the role of this variant in disease. Therefore, it has been classified as a Variant of Uncertain Significance.

Ambry Genetics
Classification: Uncertain significance for Inborn genetic diseases. Last evaluated: 2023-06-02. Review status: criteria provided, single submitter. Criteria: Ambry Variant Classification Scheme 2023. Collection method: clinical testing. Allele origin: germline.